The following is an entry in ClinVar:

NM_000214.3(JAG1):c.2356T>G (p.Cys786Gly)

Gene: JAG1 (jagged canonical Notch ligand 1; minus strand). Cytogenetic location: 20p12.2.
Variant type: single nucleotide variant.
Coding change: c.2356T>G on transcript NM_000214.3 (MANE Select); coding-DNA position 2356, T replaced by G.
Protein change: p.Cys786Gly; replaces cysteine 786 with glycine.
Molecular consequence: missense variant.
Genome position (GRCh38, 1-based): chr20:10,644,373, A>C on the plus strand (T>G on the coding strand, the complement: JAG1 is on the minus strand). VCF-style: chr20-10644373-A-C. GRCh37 (hg19) VCF-style: chr20-10625021-A-C.
Other names: short protein forms C786G.
Identifiers: ClinVar variation 3531201 (VCV003531201.1).

ClinVar aggregate classification (germline): Uncertain significance (1 of 4 stars; one submission).

Conditions:
Cardiovascular phenotype. Identifiers: MedGen CN230736.

Submission:

Ambry Genetics
Classification: Uncertain significance for Cardiovascular phenotype. Last evaluated: 2024-12-09. Review status: criteria provided, single submitter. Criteria: Ambry Variant Classification Scheme 2023. Collection method: clinical testing. Allele origin: germline.
Comment: The p.C786G variant (also known as c.2356T>G), located in coding exon 19 of the JAG1 gene, results from a T to G substitution at nucleotide position 2356. The cysteine at codon 786 is replaced by glycine, an amino acid with highly dissimilar properties. This amino acid position is conserved. In addition, this alteration is predicted to be deleterious by in silico analysis. Based on the available evidence, the clinical significance of this variant remains unclear.